The following is an entry in ClinVar:

NM_000081.4(LYST):c.3624G>C (p.Gln1208His)

Gene: LYST (lysosomal trafficking regulator; minus strand). Cytogenetic location: 1q42.3.
Variant type: single nucleotide variant.
Coding change: c.3624G>C on transcript NM_000081.4 (MANE Select); coding-DNA position 3624, G replaced by C.
Protein change: p.Gln1208His; replaces glutamine 1208 with histidine.
Molecular consequence: missense variant.
Genome position (GRCh38, 1-based): chr1:235,802,996, C>G on the plus strand (G>C on the coding strand, the complement: LYST is on the minus strand). VCF-style: chr1-235802996-C-G. GRCh37 (hg19) VCF-style: chr1-235966296-C-G.
Other names: c.3624G>C, p.Gln1208His (NM_001301365.1); short protein forms Q1208H.
Identifiers: ClinVar variation 1052733 (VCV001052733.6), dbSNP rs781760711, ClinGen allele CA344946930.

ClinVar aggregate classification (germline): Uncertain significance (1 of 4 stars; one submission).

Conditions:
Chédiak-Higashi syndrome (CHS). Also called: Chediak-Higashi Syndrome. Identifiers: Orphanet 167, MedGen C0007965, MONDO:0008963, OMIM 214500.

gnomAD v4.1: 1 of 1,613,340 alleles (0.000062%); no homozygotes.

Submission:

Labcorp Genetics (formerly Invitae), Labcorp
Classification: Uncertain significance for Chédiak-Higashi syndrome. Last evaluated: 2021-08-30. Review status: criteria provided, single submitter. Criteria: Invitae Variant Classification Sherloc (09022015). Collection method: clinical testing. Allele origin: germline.
Comment: This sequence change replaces glutamine with histidine at codon 1208 of the LYST protein (p.Gln1208His). The glutamine residue is moderately conserved and there is a small physicochemical difference between glutamine and histidine. This variant is not present in population databases (ExAC no frequency). This variant has not been reported in the literature in individuals affected with LYST-related conditions. Algorithms developed to predict the effect of missense changes on protein structure and function (SIFT, PolyPhen-2, Align-GVGD) all suggest that this variant is likely to be tolerated. In summary, the available evidence is currently insufficient to determine the role of this variant in disease. Therefore, it has been classified as a Variant of Uncertain Significance.